The following is an entry in ClinVar:

ClinVar aggregate classification (germline): Uncertain significance (1 of 4 stars; one submission).

Conditions:
Inborn genetic diseases. Identifiers: MedGen C0950123, MeSH D030342.

Allele frequency attached by ClinVar (database versions not stated): gnomAD exomes 0.00001; ExAC 0.00002; gnomAD 0.00002; TOPMed 0.00002.
gnomAD v4.1: 15 of 1,613,612 alleles (0.00093%); highest among the groups gnomAD compares: Admixed American, 0.018%; no homozygotes.

Submission:

Ambry Genetics
Classification: Uncertain significance for Inborn genetic diseases. Last evaluated: 2020-12-29. Review status: criteria provided, single submitter. Criteria: Ambry Variant Classification Scheme 2023. Collection method: clinical testing. Allele origin: germline.
Comment: The c.526C>T (p.P176S) alteration is located in exon 4 (coding exon 4) of the ALG3 gene. This alteration results from a C to T substitution at nucleotide position 526, causing the proline (P) at amino acid position 176 to be replaced by a serine (S). The in silico prediction for the p.P176S alteration is inconclusive. Based on insufficient or conflicting evidence, the clinical significance of this alteration remains unclear.

NM_005787.6(ALG3):c.526C>T (p.Pro176Ser)

Gene: ALG3 (ALG3 alpha-1,3- mannosyltransferase; minus strand). Cytogenetic location: 3q27.1.
Variant type: single nucleotide variant.
Coding change: c.526C>T on transcript NM_005787.6 (MANE Select); coding-DNA position 526, C replaced by T.
Protein change: p.Pro176Ser; replaces proline 176 with serine.
Molecular consequence: missense variant. On other transcripts: non-coding transcript variant (2).
Genome position (GRCh38, 1-based): chr3:184,245,277, G>A on the plus strand (C>T on the coding strand, the complement: ALG3 is on the minus strand). VCF-style: chr3-184245277-G-A. GRCh37 (hg19) VCF-style: chr3-183963065-G-A.
Other names: c.382C>T, p.Pro128Ser (NM_001006941.2); c.421C>T, p.Pro141Ser (NM_001006942.1); short protein forms P176S, P128S, P141S.
Identifiers: ClinVar variation 2207413 (VCV002207413.2), dbSNP rs774411827, ClinGen allele CA2729513.